The following is an entry in ClinVar:

ClinVar aggregate classification (germline): Uncertain significance (1 of 4 stars; one submission).

Conditions:
Familial adenomatous polyposis 1 (FAP1). Also called: FAMILIAL ADENOMATOUS POLYPOSIS 1, ATTENUATED; POLYPOSIS, ADENOMATOUS INTESTINAL. Identifiers: MedGen C2713442, MONDO:0021056, OMIM 175100. Disease mechanism: loss of function.

Submission:

Labcorp Genetics (formerly Invitae), Labcorp
Classification: Uncertain significance for Familial adenomatous polyposis 1. Last evaluated: 2024-03-09. Review status: criteria provided, single submitter. Criteria: Invitae Variant Classification Sherloc (09022015). Collection method: clinical testing. Allele origin: germline.
Comment: This sequence change replaces aspartic acid, which is acidic and polar, with glycine, which is neutral and non-polar, at codon 1015 of the APC protein (p.Asp1015Gly). This variant is not present in population databases (gnomAD no frequency). This variant has not been reported in the literature in individuals affected with APC-related conditions. ClinVar contains an entry for this variant (Variation ID: 970107). Advanced modeling of protein sequence and biophysical properties (such as structural, functional, and spatial information, amino acid conservation, physicochemical variation, residue mobility, and thermodynamic stability) performed at Invitae indicates that this missense variant is not expected to disrupt APC protein function with a negative predictive value of 95%. In summary, the available evidence is currently insufficient to determine the role of this variant in disease. Therefore, it has been classified as a Variant of Uncertain Significance.

NM_000038.6(APC):c.3044A>G (p.Asp1015Gly)

Gene: APC (APC regulator of Wnt signaling pathway; plus strand). Cytogenetic location: 5q22.2.
Variant type: single nucleotide variant.
Coding change: c.3044A>G on transcript NM_000038.6 (MANE Select); coding-DNA position 3044, A replaced by G.
Protein change: p.Asp1015Gly; replaces aspartic acid 1015 with glycine.
Molecular consequence: missense variant.
Genome position (GRCh38, 1-based): chr5:112,838,638, A>G. VCF-style: chr5-112838638-A-G. GRCh37 (hg19) VCF-style: chr5-112174335-A-G.
Other names: c.3044A>G, p.Asp1015Gly (NM_001127510.3, NM_001354895.2); c.2990A>G, p.Asp997Gly (NM_001127511.3); c.3098A>G, p.Asp1033Gly (NM_001354896.2); c.3074A>G, p.Asp1025Gly (NM_001354897.2); c.2969A>G, p.Asp990Gly (NM_001354898.2); c.2960A>G, p.Asp987Gly (NM_001354899.2); c.2921A>G, p.Asp974Gly (NM_001354900.2); c.2867A>G, p.Asp956Gly (NM_001354901.2); and 5 more; short protein forms D1015G, D889G, D732G, D987G, D855G, D914G, D924G, D956G.
Identifiers: ClinVar variation 970107 (VCV000970107.11), dbSNP rs1765322672, ClinGen allele CA16027996.